The following is an entry in ClinVar:

NM_004606.5(TAF1):c.3963G>T (p.Gly1321=)

Gene: TAF1 (TATA-box binding protein associated factor 1; plus strand). Cytogenetic location: Xq13.1.
Variant type: single nucleotide variant.
Coding change: c.3963G>T on transcript NM_004606.5 (MANE Select); coding-DNA position 3963, G replaced by T.
Protein change: p.Gly1321=; no amino-acid change (glycine 1321 retained).
Molecular consequence: synonymous variant. On other transcripts: non-coding transcript variant (9).
Genome position (GRCh38, 1-based): chrX:71,401,704, G>T. VCF-style: chrX-71401704-G-T. GRCh37 (hg19) VCF-style: chrX-70621554-G-T.
Other names: c.3963G>T, p.Gly1321= (NM_001286074.2, NM_001440852.1, NM_001440853.1); c.3900G>T, p.Gly1300= (NM_001440854.1, NM_138923.4).
Identifiers: ClinVar variation 4813257 (VCV004813257.1).

ClinVar aggregate classification (germline): Uncertain significance (1 of 4 stars; one submission).

Submission:

GeneDx
Classification: Uncertain significance. Last evaluated: 2025-09-08. Review status: criteria provided, single submitter. Criteria: GeneDx Variant Classification Process June 2021. Collection method: clinical testing. Allele origin: germline. Affected: yes.
Comment: Not observed at significant frequency in large population cohorts (gnomAD); In silico analysis supports a deleterious effect on splicing; Has not been previously published as pathogenic or benign to our knowledge